The following is an entry in ClinVar:

ClinVar aggregate classification (germline): Pathogenic (1 of 4 stars; one submission).

Conditions:
Deficiency of galactokinase. Also called: Galactokinase deficiency with cataracts; GALACTOSEMIA II. Identifiers: Orphanet 352, Orphanet 79237, MedGen C0268155, MONDO:0009255, OMIM 230200.

Submission:

Labcorp Genetics (formerly Invitae), Labcorp
Classification: Pathogenic for Deficiency of galactokinase. Last evaluated: 2022-09-18. Review status: criteria provided, single submitter. Criteria: Invitae Variant Classification Sherloc (09022015). Collection method: clinical testing. Allele origin: germline.
Comment: This variant is a gross deletion of the genomic region encompassing exon(s) 6-8 of the GALK1 gene, which includes the termination codon. This deletion extends beyond the assayed region for this gene and therefore may encompass additional genes. While this deletion is not anticipated to lead to nonsense mediated decay, it is expected to alter mRNA translation or result in a truncated protein product. This variant has not been reported in the literature in individuals affected with GALK1-related conditions. This variant disrupts a region of the GALK1 protein in which other variant(s) (p.Gln382*) have been determined to be pathogenic (PMID: 10790206). This suggests that this is a clinically significant region of the protein, and that variants that disrupt it are likely to be disease-causing. For these reasons, this variant has been classified as Pathogenic.

Literature cited by the submitters: PubMed 10790206.

NC_000017.10:g.(?_73754127)_(73754690_?)del

Gene: GALK1 (galactokinase 1; minus strand). Cytogenetic location: 17q25.1.
Variant type: Deletion.
Identifiers: ClinVar variation 2422484 (VCV002422484.5).